The following is an entry in ClinVar:

ClinVar aggregate classification (germline): Uncertain significance (1 of 4 stars; one submission).

Conditions:
Mowat-Wilson syndrome (MOWS). Also called: Classic Mowat-Wilson Syndrome. Identifiers: Orphanet 2152, MedGen C1856113, MONDO:0009341, OMIM 235730.

Submission:

Labcorp Genetics (formerly Invitae), Labcorp
Classification: Uncertain significance for Mowat-Wilson syndrome. Last evaluated: 2022-06-15. Review status: criteria provided, single submitter. Criteria: Invitae Variant Classification Sherloc (09022015). Collection method: clinical testing. Allele origin: germline.
Comment: This sequence change replaces phenylalanine, which is neutral and non-polar, with leucine, which is neutral and non-polar, at codon 884 of the ZEB2 protein (p.Phe884Leu). This variant is not present in population databases (gnomAD no frequency). This variant has not been reported in the literature in individuals affected with ZEB2-related conditions. Algorithms developed to predict the effect of missense changes on protein structure and function are either unavailable or do not agree on the potential impact of this missense change (SIFT: "Deleterious"; PolyPhen-2: "Possibly Damaging"; Align-GVGD: "Class C15"). In summary, the available evidence is currently insufficient to determine the role of this variant in disease. Therefore, it has been classified as a Variant of Uncertain Significance.

NM_014795.4(ZEB2):c.2650T>C (p.Phe884Leu)

Gene: ZEB2 (zinc finger E-box binding homeobox 2; minus strand). Cytogenetic location: 2q22.3.
Variant type: single nucleotide variant.
Coding change: c.2650T>C on transcript NM_014795.4 (MANE Select); coding-DNA position 2650, T replaced by C.
Protein change: p.Phe884Leu; replaces phenylalanine 884 with leucine.
Molecular consequence: missense variant.
Genome position (GRCh38, 1-based): chr2:144,398,537, A>G on the plus strand (T>C on the coding strand, the complement: ZEB2 is on the minus strand). VCF-style: chr2-144398537-A-G. GRCh37 (hg19) VCF-style: chr2-145156104-A-G.
Other names: c.2578T>C, p.Phe860Leu (NM_001171653.2); short protein forms F860L, F884L.
Identifiers: ClinVar variation 2006997 (VCV002006997.4), dbSNP rs2549105783, ClinGen allele CA348707602.
Genomic context (GRCh38, chr2:144,398,537, plus strand): 5'-ATGCGCTTTGAGGTGGAAGAGCTGTGTATAAAGGTTTGGCACTAAATGGGTTCATGCTGA[A>G]CACTGGGTTAGTGCTTTTGTTGTCCAGATTATTTGAATTTGAAAATTCCTTCTTGATAAA-3'
Protein context (NP_055610.1, residues 874-894): NLDNKSTNPV[Phe884Leu]SMNPFSAKPL